The following is an entry in ClinVar:

NM_003718.5(CDK13):c.3428_3431del (p.Thr1143fs)

Gene: CDK13 (cyclin dependent kinase 13; plus strand). Cytogenetic location: 7p14.1.
Variant type: Microsatellite.
Coding change: c.3428_3431del on transcript NM_003718.5 (MANE Select); coding-DNA positions 3428 to 3431, 4 bases deleted (CAGA; older notation c.3428_3431delCAGA).
Protein change: p.Thr1143fs; shifts the reading frame from threonine 1143.
Molecular consequence: frameshift variant.
Genome position (GRCh38, 1-based): chr7:40,092,977-40,092,980, CAGA deleted; deleting any 4 consecutive bases within chr7:40,092,972-40,092,980 gives the same sequence; the c. name uses the placement nearest the transcript's 3' end. VCF-style (leftmost placement, unchanged base first): chr7-40092971-AACAG-A. GRCh37 (hg19) VCF-style: chr7-40132570-AACAG-A.
Other names: c.3244_3247CAGA[1], p.Thr1083Ilefs (NM_031267.4); short protein forms T1083fs, T1143fs.
Identifiers: ClinVar variation 2507353 (VCV002507353.2), dbSNP rs2484066893, ClinGen allele CA2578892889.
Genomic context (GRCh38, chr7:40,092,971, plus strand): 5'-AGACTCAACAGCAGCTAAATAAAATAAACCTTCCTGCTGGAATTTTGGCAACAGGTGAAA[AACAG>A]ACAGATCCATCAACACCACAACAGGAGTCTTCGAAACCGTTGGGAGGAATTCAGCCTTCT-3'

ClinVar aggregate classification (germline): Likely pathogenic (1 of 4 stars; one submission).

Submission:

GeneDx
Classification: Likely pathogenic. Last evaluated: 2023-10-18. Review status: criteria provided, single submitter. Criteria: GeneDx Variant Classification Process June 2021. Collection method: clinical testing. Allele origin: germline. Affected: yes.
Comment: Not observed at significant frequency in large population cohorts (gnomAD); Frameshift variant predicted to result in protein truncation or nonsense mediated decay in a gene or region of a gene for which loss of function is not a well-established mechanism of disease; Has not been previously published as pathogenic or benign to our knowledge